The following is an entry in ClinVar:

NM_005120.3(MED12):c.5432C>T (p.Pro1811Leu)

Gene: MED12 (mediator complex subunit 12; plus strand). Cytogenetic location: Xq13.1.
Variant type: single nucleotide variant.
Coding change: c.5432C>T on transcript NM_005120.3 (MANE Select); coding-DNA position 5432, C replaced by T.
Protein change: p.Pro1811Leu; replaces proline 1811 with leucine.
Molecular consequence: missense variant.
Genome position (GRCh38, 1-based): chrX:71,136,910, C>T. VCF-style: chrX-71136910-C-T. GRCh37 (hg19) VCF-style: chrX-70356760-C-T.
Other names: short protein forms P1811L.
Identifiers: ClinVar variation 1747505 (VCV001747505.15), dbSNP rs2092334102, ClinGen allele CA413535528.

ClinVar aggregate classification (germline): Uncertain significance. Review status: criteria provided, multiple submitters, no conflicts (2 of 4 stars). 2 submissions from 2 submitters: Uncertain significance (2). Last evaluated 2025-02-01.

Conditions:
Familial thoracic aortic aneurysm and aortic dissection (TAAD). Also called: Thoracic aortic aneurysms and dissections. Identifiers: Orphanet 91387, MedGen C4707243, MONDO:0019625.

Submissions (2):

CeGaT Center for Human Genetics Tuebingen
Classification: Uncertain significance. Last evaluated: 2025-02-01. Review status: criteria provided, single submitter. Criteria: CeGaT Center For Human Genetics Tuebingen Variant Classification Criteria Version 2. Collection method: clinical testing. Allele origin: germline. Affected: yes. Observed: 1 variant allele.
Comment: MED12: PM2

Ambry Genetics
Classification: Uncertain significance for Familial thoracic aortic aneurysm and aortic dissection. Last evaluated: 2017-12-15. Review status: criteria provided, single submitter. Criteria: Ambry Variant Classification Scheme 2023. Collection method: clinical testing. Allele origin: germline.
Comment: The p.P1811L variant (also known as c.5432C>T), located in coding exon 38 of the MED12 gene, results from a C to T substitution at nucleotide position 5432. The proline at codon 1811 is replaced by leucine, an amino acid with similar properties. This amino acid position is not well conserved in available vertebrate species. In addition, this alteration is predicted to be tolerated by in silico analysis. Since supporting evidence is limited at this time, the clinical significance of this alteration remains unclear.